The following is an entry in ClinVar:

NM_006389.5(HYOU1):c.2032G>A (p.Ala678Thr)

Gene: HYOU1 (hypoxia up-regulated 1; minus strand). Cytogenetic location: 11q23.3.
Variant type: single nucleotide variant.
Coding change: c.2032G>A on transcript NM_006389.5 (MANE Select); coding-DNA position 2032, G replaced by A.
Protein change: p.Ala678Thr; replaces alanine 678 with threonine.
Molecular consequence: missense variant.
Genome position (GRCh38, 1-based): chr11:119,048,847, C>T on the plus strand (G>A on the coding strand, the complement: HYOU1 is on the minus strand). VCF-style: chr11-119048847-C-T. GRCh37 (hg19) VCF-style: chr11-118919559-C-T.
Other names: c.2032G>A, p.Ala678Thr (NM_001130991.3); short protein forms A678T.
Identifiers: ClinVar variation 1440436 (VCV001440436.8), dbSNP rs148386060, ClinGen allele CA229619426.

ClinVar aggregate classification (germline): Uncertain significance (1 of 4 stars; one submission).

Allele frequency attached by ClinVar (database versions not stated): gnomAD 0.00002.
gnomAD v4.1: 19 of 1,612,934 alleles (0.0012%); highest among the groups gnomAD compares: Middle Eastern, 0.016%; no homozygotes.

Submission:

Labcorp Genetics (formerly Invitae), Labcorp
Classification: Uncertain significance. Last evaluated: 2025-06-15. Review status: criteria provided, single submitter. Criteria: Invitae Variant Classification Sherloc (09022015). Collection method: clinical testing. Allele origin: germline.
Comment: This sequence change replaces alanine, which is neutral and non-polar, with threonine, which is neutral and polar, at codon 678 of the HYOU1 protein (p.Ala678Thr). This variant is present in population databases (rs148386060, gnomAD 0.007%). This variant has not been reported in the literature in individuals affected with HYOU1-related conditions. ClinVar contains an entry for this variant (Variation ID: 1440436). An algorithm developed to predict the effect of missense changes on protein structure and function (PolyPhen-2) suggests that this variant is likely to be tolerated. In summary, the available evidence is currently insufficient to determine the role of this variant in disease. Therefore, it has been classified as a Variant of Uncertain Significance.